The following is an entry in ClinVar:

ClinVar aggregate classification (germline): Likely pathogenic (1 of 4 stars; one submission).

Conditions:
Neurodevelopmental disorder with microcephaly, impaired language, epilepsy, and gait abnormalities. Identifiers: MedGen C5436788, MONDO:0030837, OMIM 619092.

gnomAD v4.1: 2 of 1,613,992 alleles (0.00012%); highest among the groups gnomAD compares: South Asian, 0.0011%; no homozygotes.

Submission:

SIB Swiss Institute of Bioinformatics
Classification: Likely pathogenic for Neurodevelopmental disorder with microcephaly, impaired language, epilepsy, and gait abnormalities. Last evaluated: 2021-05-10. Review status: criteria provided, single submitter. Criteria: ACMG Guidelines, 2015. Collection method: curation. Allele origin: unknown.
Comment: This variant is interpreted as likely pathogenic for Neurodevelopmental disorder with microcephaly, impaired language, epilepsy, and gait abnormalities, autosomal dominant. The following ACMG Tag(s) were applied: Absent from controls (or at extremely low frequency if recessive) in Exome Sequencing Project, 1000 Genomes Project, or Exome Aggregation Consortium (PM2); Assumed de novo, but no confirmation of paternity and maternity (PM6); Multiple lines of computational evidence support a deleterious effect on the gene or gene product (PP3); Well-established functional studies show a deleterious effect (PS3 downgraded to supporting).

Literature cited by the submitters: PubMed 32738225.

NM_004539.4(NARS1):c.965G>T (p.Arg322Leu)

Gene: NARS1 (asparaginyl-tRNA synthetase 1; minus strand). Cytogenetic location: 18q21.31.
Variant type: single nucleotide variant.
Coding change: c.965G>T on transcript NM_004539.4 (MANE Select); coding-DNA position 965, G replaced by T.
Protein change: p.Arg322Leu; replaces arginine 322 with leucine.
Molecular consequence: missense variant.
Genome position (GRCh38, 1-based): chr18:57,607,170, C>A on the plus strand (G>T on the coding strand, the complement: NARS1 is on the minus strand). VCF-style: chr18-57607170-C-A. GRCh37 (hg19) VCF-style: chr18-55274402-C-A.
Other names: short protein forms R322L.
Identifiers: ClinVar variation 1077114 (VCV001077114.1), dbSNP rs2122429938, ClinGen allele CA402547048.